The following is an entry in ClinVar:

NM_001130438.3(SPTAN1):c.3587G>C (p.Arg1196Pro)

Gene: SPTAN1 (spectrin alpha, non-erythrocytic 1; plus strand). Cytogenetic location: 9q34.11.
Variant type: single nucleotide variant.
Coding change: c.3587G>C on transcript NM_001130438.3 (MANE Select); coding-DNA position 3587, G replaced by C.
Protein change: p.Arg1196Pro; replaces arginine 1196 with proline.
Molecular consequence: missense variant.
Genome position (GRCh38, 1-based): chr9:128,603,550, G>C. VCF-style: chr9-128603550-G-C. GRCh37 (hg19) VCF-style: chr9-131365829-G-C.
Other names: c.3527G>C, p.Arg1176Pro (NM_001195532.2, NM_001363765.2); c.3587G>C, p.Arg1196Pro (NM_001363759.2, NM_003127.4); short protein forms R1196P, R1176P.
Identifiers: ClinVar variation 379910 (VCV000379910.14), dbSNP rs781124530, ClinGen allele CA5264987.
Genomic context (GRCh38, chr9:128,603,550, plus strand): 5'-TCTAATTGCCAGACACTTGATTAGTTTTGCCTTCTGCTTTCCTCCCTACCTAGTCTGCTC[G>C]TCTGATGGTTCACACCGTGGCCACCTTTAATTCCATCAAGGTAAGAAGCAGTGACCAGCT-3'
Protein context (NP_001123910.1, residues 1186-1206): SKTASPWKSA[Arg1196Pro]LMVHTVATFN

ClinVar aggregate classification (germline): Conflicting classifications of pathogenicity. Review status: criteria provided, conflicting classifications (1 of 4 stars). 3 submissions from 3 submitters: Uncertain significance (2); Likely benign (1). Last evaluated 2024-02-12.

Conditions:
Early-infantile DEE. Also called: Early infantile epileptic encephalopathy with suppression bursts; Ohtahara syndrome; Early infantile epileptic encephalopathy. Identifiers: Orphanet 1934, MedGen C0393706, MONDO:0800491.
Developmental and epileptic encephalopathy, 5 (DEE5). Identifiers: Orphanet 3451, MedGen C3150731, MONDO:0013277, OMIM 613477.

Allele frequency attached by ClinVar (database versions not stated): ExAC 0.00001; gnomAD exomes 0.00001.
gnomAD v4.1: 19 of 1,614,174 alleles (0.0012%); highest among the groups gnomAD compares: Non-Finnish European, 0.0016%; no homozygotes.

Submissions (3):

Labcorp Genetics (formerly Invitae), Labcorp
Classification: Uncertain significance for Early-infantile DEE. Last evaluated: 2024-02-12. Review status: criteria provided, single submitter. Criteria: Invitae Variant Classification Sherloc (09022015). Collection method: clinical testing. Allele origin: germline.
Comment: This sequence change replaces arginine, which is basic and polar, with proline, which is neutral and non-polar, at codon 1196 of the SPTAN1 protein (p.Arg1196Pro). This variant is present in population databases (rs781124530, gnomAD 0.0009%). This variant has not been reported in the literature in individuals affected with SPTAN1-related conditions. ClinVar contains an entry for this variant (Variation ID: 379910). Advanced modeling of protein sequence and biophysical properties (such as structural, functional, and spatial information, amino acid conservation, physicochemical variation, residue mobility, and thermodynamic stability) has been performed at Invitae for this missense variant, however the output from this modeling did not meet the statistical confidence thresholds required to predict the impact of this variant on SPTAN1 protein function. In summary, the available evidence is currently insufficient to determine the role of this variant in disease. Therefore, it has been classified as a Variant of Uncertain Significance.

Genome-Nilou Lab
Classification: Uncertain significance for Developmental and epileptic encephalopathy, 5. Last evaluated: 2021-07-15. Review status: criteria provided, single submitter. Criteria: ACMG Guidelines, 2015. Collection method: clinical testing. Allele origin: germline. Affected: no.

GeneDx
Classification: Likely benign. Last evaluated: 2015-11-23. Review status: criteria provided, single submitter. Criteria: GeneDx Variant Classification (06012015). Collection method: clinical testing. Allele origin: germline. Affected: yes.
Comment: This variant is considered likely benign or benign based on one or more of the following criteria: it is a conservative change, it occurs at a poorly conserved position in the protein, it is predicted to be benign by multiple in silico algorithms, and/or has population frequency not consistent with disease.